The following is an entry in ClinVar:

NM_000426.4(LAMA2):c.1464C>A (p.Cys488Ter)

Gene: LAMA2 (laminin subunit alpha 2; plus strand). Cytogenetic location: 6q22.33.
Variant type: single nucleotide variant.
Coding change: c.1464C>A on transcript NM_000426.4 (MANE Select); coding-DNA position 1464, C replaced by A.
Protein change: p.Cys488Ter; replaces cysteine 488 with a stop codon.
Molecular consequence: nonsense.
Genome position (GRCh38, 1-based): chr6:129,177,863, C>A. VCF-style: chr6-129177863-C-A. GRCh37 (hg19) VCF-style: chr6-129499008-C-A.
Other names: c.1464C>A, p.Cys488Ter (NM_001079823.2); short protein forms C488*.
Identifiers: ClinVar variation 984069 (VCV000984069.4), dbSNP rs1780700010, ClinGen allele CA365607734.

ClinVar aggregate classification (germline): Likely pathogenic (1 of 4 stars; one submission).

Conditions:
LAMA2-related muscular dystrophy (LAMA2-RD). Also called: Laminin alpha 2-related dystrophy. Identifiers: MedGen C5679788, MONDO:0100228.

Submission:

Myriad Genetics, Inc.
Classification: Likely pathogenic for LAMA2-related muscular dystrophy. Last evaluated: 2019-04-30. Review status: criteria provided, single submitter. Criteria: Myriad Autosomal Dominant, Autosomal Recessive and X-Linked Classification Criteria (2023). Collection method: clinical testing. Allele origin: unknown.
Comment: NM_000426.3(LAMA2):c.1464C>A(C488*) is expected to be pathogenic in the context of LAMA2-related muscular dystrophy. This variant is predicted to lead to an abnormal or absent protein product due to the creation of a premature termination codon in LAMA2, a gene where loss-of-function variants are known to be pathogenic. Please note: this variant was assessed in the context of healthy population screening.